The following is an entry in ClinVar:

NM_006030.4(CACNA2D2):c.2401+1G>T

Genes: CACNA2D2 (calcium voltage-gated channel auxiliary subunit alpha2delta 2; minus strand), LOC101928965 (uncharacterized LOC101928965; plus strand), LOC127898564 (CYB561D2-LOC101928965; plus strand). Cytogenetic location: 3p21.31.
Variant type: single nucleotide variant.
Coding change: c.2401+1G>T on transcript NM_006030.4 (MANE Select); the canonical splice donor site of the intron after coding-DNA position 2401, G replaced by T.
Molecular consequence: splice donor variant.
Genome position (GRCh38, 1-based): chr3:50,367,393, C>A on the plus strand (G>T on the coding strand, the complement: CACNA2D2 is on the minus strand). VCF-style: chr3-50367393-C-A. GRCh37 (hg19) VCF-style: chr3-50404824-C-A.
Other names: c.2194+1G>T (NM_001291101.1); c.2401+1G>T (NM_001005505.3, NM_001410768.1); c.2422+1G>T (NM_001174051.3).
Identifiers: ClinVar variation 4732107 (VCV004732107.1).

ClinVar aggregate classification (germline): Likely pathogenic (1 of 4 stars; one submission).

Conditions:
Early-infantile DEE. Also called: Early infantile epileptic encephalopathy; Early infantile epileptic encephalopathy with suppression bursts; Ohtahara syndrome. Identifiers: Orphanet 1934, MedGen C0393706, MONDO:0800491.

Submission:

Labcorp Genetics (formerly Invitae), Labcorp
Classification: Likely pathogenic for Early-infantile DEE. Last evaluated: 2025-11-28. Review status: criteria provided, single submitter. Criteria: Invitae Variant Classification Sherloc (09022015). Collection method: clinical testing. Allele origin: germline.
Comment: This sequence change affects a donor splice site in intron 27 of the CACNA2D2 gene. It is expected to disrupt RNA splicing. Variants that disrupt the donor or acceptor splice site typically lead to a loss of protein function (PMID: 16199547), and loss-of-function variants in CACNA2D2 are known to be pathogenic (PMID: 24358150). This variant is not present in population databases (gnomAD no frequency). This variant has not been reported in the literature in individuals affected with CACNA2D2-related conditions. Algorithms developed to predict the effect of sequence changes on RNA splicing suggest that this variant may disrupt the consensus splice site. In summary, the currently available evidence indicates that the variant is pathogenic, but additional data are needed to prove that conclusively. Therefore, this variant has been classified as Likely Pathogenic.

Literature cited by the submitters: PubMed 16199547; PubMed 24358150.